The following is an entry in ClinVar:

ClinVar aggregate classification (germline): Uncertain significance (1 of 4 stars; one submission).

Conditions:
Autosomal dominant limb-girdle muscular dystrophy type 1D (DNAJB6) (LGMDD1). Also called: MUSCULAR DYSTROPHY, LIMB-GIRDLE, TYPE 1D; MUSCULAR DYSTROPHY, AUTOSOMAL DOMINANT, WITH RIMMED VACUOLES; Autosomal dominant limb-girdle muscular dystrophy type 1D; Muscular dystrophy, limb-girdle, autosomal dominant 1. Identifiers: Orphanet 34516, MedGen C4721885, MONDO:0021018, OMIM 603511.

Submission:

Labcorp Genetics (formerly Invitae), Labcorp
Classification: Uncertain significance for Autosomal dominant limb-girdle muscular dystrophy type 1D (DNAJB6). Last evaluated: 2025-12-28. Review status: criteria provided, single submitter. Criteria: Invitae Variant Classification Sherloc (09022015). Collection method: clinical testing. Allele origin: germline.
Comment: This sequence change replaces glutamine, which is neutral and polar, with leucine, which is neutral and non-polar, at codon 223 of the DNAJB6 protein (p.Gln223Leu). This variant is not present in population databases (gnomAD no frequency). This variant has not been reported in the literature in individuals affected with DNAJB6-related conditions. Invitae Evidence Modeling of protein sequence and biophysical properties (such as structural, functional, and spatial information, amino acid conservation, physicochemical variation, residue mobility, and thermodynamic stability) indicates that this missense variant is not expected to disrupt DNAJB6 protein function with a negative predictive value of 80%. In summary, the available evidence is currently insufficient to determine the role of this variant in disease. Therefore, it has been classified as a Variant of Uncertain Significance.

NM_058246.4(DNAJB6):c.668A>T (p.Gln223Leu)

Gene: DNAJB6 (DnaJ heat shock protein family (Hsp40) member B6; plus strand). Cytogenetic location: 7q36.3.
Variant type: single nucleotide variant.
Coding change: c.668A>T on transcript NM_058246.4 (MANE Select); coding-DNA position 668, A replaced by T.
Protein change: p.Gln223Leu; replaces glutamine 223 with leucine.
Molecular consequence: missense variant. On other transcripts: intron variant (1).
Genome position (GRCh38, 1-based): chr7:157,385,588, A>T. VCF-style: chr7-157385588-A-T. GRCh37 (hg19) VCF-style: chr7-157178282-A-T.
Other names: c.668A>T, p.Gln223Leu (NM_005494.3); c.346+18105A>T (NM_001363676.1); short protein forms Q223L.
Identifiers: ClinVar variation 4773642 (VCV004773642.1).